The following is an entry in ClinVar:

ClinVar aggregate classification (germline): Uncertain significance. Review status: criteria provided, multiple submitters, no conflicts (2 of 4 stars). 2 submissions from 2 submitters: Uncertain significance (2). Last evaluated 2025-06-13.

Conditions:
DLST-related disorder. Also called: DLST-related condition.

Allele frequency attached by ClinVar (database versions not stated): gnomAD 0.00001; TOPMed 0.00001; ExAC 0.00002.

Submissions (2):

PreventionGenetics, part of Exact Sciences
Classification: Uncertain significance for DLST-related condition. Last evaluated: 2025-06-13. Review status: criteria provided, single submitter. Criteria: ACMG Guidelines, 2015. Collection method: clinical testing. Allele origin: germline.
Comment: The DLST c.356C>A variant is predicted to result in the amino acid substitution p.Ala119Glu. To our knowledge, this variant has not been reported in the literature. This variant is reported in 0.014% of alleles in individuals of Latino descent in gnomAD and is reported as a variant of uncertain significance in ClinVar. At this time, the clinical significance of this variant is uncertain due to the absence of conclusive functional and genetic evidence.

Ambry Genetics
Classification: Uncertain significance. Last evaluated: 2022-08-17. Review status: criteria provided, single submitter. Criteria: Ambry Variant Classification Scheme 2023. Collection method: clinical testing. Allele origin: germline.

NM_001933.5(DLST):c.356C>A (p.Ala119Glu)

Gene: DLST (dihydrolipoamide S-succinyltransferase; plus strand). Cytogenetic location: 14q24.3.
Variant type: single nucleotide variant.
Coding change: c.356C>A on transcript NM_001933.5 (MANE Select); coding-DNA position 356, C replaced by A.
Protein change: p.Ala119Glu; replaces alanine 119 with glutamic acid.
Molecular consequence: missense variant. On other transcripts: non-coding transcript variant (2).
Genome position (GRCh38, 1-based): chr14:74,891,081, C>A. VCF-style: chr14-74891081-C-A. GRCh37 (hg19) VCF-style: chr14-75357784-C-A.
Other names: c.356C>A, p.Ala119Glu (NM_001244883.2); short protein forms A119E.
Identifiers: ClinVar variation 2377805 (VCV002377805.3), dbSNP rs779372073, ClinGen allele CA7273469.